The following is an entry in ClinVar:

ClinVar aggregate classification (germline): Conflicting classifications of pathogenicity. Review status: criteria provided, conflicting classifications (1 of 4 stars). 3 submissions from 3 submitters: Uncertain significance (2); Likely benign (1). Last evaluated 2025-10-08.

Conditions:
BAG3-related disorder. Also called: BAG3-related condition.
Cardiovascular phenotype. Identifiers: MedGen CN230736.
Myofibrillar myopathy 6. Identifiers: Orphanet 199340, MedGen C2751831, MONDO:0013061, OMIM 612954.
Dilated cardiomyopathy 1HH (CMD1HH). Identifiers: Orphanet 154, MedGen C3151293, MONDO:0013479, OMIM 613881.

Allele frequency attached by ClinVar (database versions not stated): gnomAD exomes below 0.00001; ExAC 0.00001; gnomAD 0.00004; TOPMed 0.00005; 1000 Genomes Project 0.00020; 1000 Genomes Project 30x 0.00031.
gnomAD v4.1: 11 of 1,614,260 alleles (0.00068%); highest among the groups gnomAD compares: African/African-American, 0.012%; no homozygotes.

Submissions (3):

Labcorp Genetics (formerly Invitae), Labcorp
Classification: Likely benign for Dilated cardiomyopathy 1HH; Myofibrillar myopathy 6. Last evaluated: 2025-10-08. Review status: criteria provided, single submitter. Criteria: Invitae Variant Classification Sherloc (09022015). Collection method: clinical testing. Allele origin: germline.

PreventionGenetics, part of Exact Sciences
Classification: Uncertain significance for BAG3-related condition. Last evaluated: 2025-03-25. Review status: criteria provided, single submitter. Criteria: ACMG Guidelines, 2015. Collection method: clinical testing. Allele origin: germline.
Comment: The BAG3 c.321G>C variant is predicted to result in the amino acid substitution p.Gln107His. To our knowledge, this variant has not been reported in the literature. This variant is reported in 0.012% of alleles in individuals of African descent in gnomAD. At this time, the clinical significance of this variant is uncertain due to the absence of conclusive functional and genetic evidence.

Ambry Genetics
Classification: Uncertain significance for Cardiovascular phenotype. Last evaluated: 2023-08-25. Review status: criteria provided, single submitter. Criteria: Ambry Variant Classification Scheme 2023. Collection method: clinical testing. Allele origin: germline.
Comment: The p.Q107H variant (also known as c.321G>C), located in coding exon 2 of the BAG3 gene, results from a G to C substitution at nucleotide position 321. The glutamine at codon 107 is replaced by histidine, an amino acid with highly similar properties. This amino acid position is well conserved in available vertebrate species. In addition, this alteration is predicted to be tolerated by in silico analysis. Since supporting evidence is limited at this time, the clinical significance of this alteration remains unclear.

NM_004281.4(BAG3):c.321G>C (p.Gln107His)

Gene: BAG3 (BAG cochaperone 3; plus strand). Cytogenetic location: 10q26.11.
Variant type: single nucleotide variant.
Coding change: c.321G>C on transcript NM_004281.4 (MANE Select); coding-DNA position 321, G replaced by C.
Protein change: p.Gln107His; replaces glutamine 107 with histidine.
Molecular consequence: missense variant.
Genome position (GRCh38, 1-based): chr10:119,669,991, G>C. VCF-style: chr10-119669991-G-C. GRCh37 (hg19) VCF-style: chr10-121429503-G-C.
Other names: short protein forms Q107H.
Identifiers: ClinVar variation 1729062 (VCV001729062.9), dbSNP rs535062329, ClinGen allele CA5716292.